The following is an entry in ClinVar:

ClinVar aggregate classification (germline): Uncertain significance (1 of 4 stars; one submission).

gnomAD v4.1: 1 of 1,207,799 alleles (0.000083%); highest among the groups gnomAD compares: African/African-American, 0.0017%; no homozygotes.

Submission:

GeneDx
Classification: Uncertain significance. Last evaluated: 2024-08-08. Review status: criteria provided, single submitter. Criteria: GeneDx Variant Classification Process June 2021. Collection method: clinical testing. Allele origin: germline. Affected: yes.
Comment: Not observed at significant frequency in large population cohorts (gnomAD); In silico analysis supports that this missense variant has a deleterious effect on protein structure/function; Has not been previously published as pathogenic or benign to our knowledge

NM_005120.3(MED12):c.2513A>G (p.His838Arg)

Gene: MED12 (mediator complex subunit 12; plus strand). Cytogenetic location: Xq13.1.
Variant type: single nucleotide variant.
Coding change: c.2513A>G on transcript NM_005120.3 (MANE Select); coding-DNA position 2513, A replaced by G.
Protein change: p.His838Arg; replaces histidine 838 with arginine.
Molecular consequence: missense variant.
Genome position (GRCh38, 1-based): chrX:71,126,126, A>G. VCF-style: chrX-71126126-A-G. GRCh37 (hg19) VCF-style: chrX-70345976-A-G.
Other names: short protein forms H838R.
Identifiers: ClinVar variation 3764231 (VCV003764231.1).